The following is an entry in ClinVar:

ClinVar aggregate classification (germline): Uncertain significance. Review status: criteria provided, multiple submitters, no conflicts (2 of 4 stars). 2 submissions from 2 submitters: Uncertain significance (2). Last evaluated 2023-12-27.

Conditions:
Choanal atresia-athelia-hypothyroidism-delayed puberty-short stature syndrome (BCAHH). Also called: BRANCHIAL ARCH ABNORMALITIES, CHOANAL ATRESIA, ATHELIA, HEARING LOSS, AND HYPOTHYROIDISM SYNDROME. Identifiers: Orphanet 589856, MedGen C5680310, MONDO:0035651, OMIM 620186.
Kabuki syndrome 1 (KABUK1). Also called: KMT2D-Related Kabuki Syndrome. Identifiers: Orphanet 2322, MedGen CN030661, MONDO:0007843, OMIM 147920.
Kabuki syndrome. Also called: Kabuki make-up syndrome; NIIKAWA-KUROKI SYNDROME. Identifiers: Orphanet 2322, MedGen C0796004, MONDO:0016512.

Submissions (2):

Fulgent Genetics
Classification: Uncertain significance for Kabuki syndrome 1; Choanal atresia-athelia-hypothyroidism-delayed puberty-short stature syndrome. Last evaluated: 2023-12-27. Review status: criteria provided, single submitter. Criteria: ACMG Guidelines, 2015. Collection method: clinical testing. Allele origin: germline.

Labcorp Genetics (formerly Invitae), Labcorp
Classification: Uncertain significance for Kabuki syndrome. Last evaluated: 2023-11-11. Review status: criteria provided, single submitter. Criteria: Invitae Variant Classification Sherloc (09022015). Collection method: clinical testing. Allele origin: germline.
Comment: This sequence change replaces arginine, which is basic and polar, with proline, which is neutral and non-polar, at codon 2701 of the KMT2D protein (p.Arg2701Pro). This variant is not present in population databases (gnomAD no frequency). This variant has not been reported in the literature in individuals affected with KMT2D-related conditions. Advanced modeling of protein sequence and biophysical properties (such as structural, functional, and spatial information, amino acid conservation, physicochemical variation, residue mobility, and thermodynamic stability) has been performed at Invitae for this missense variant, however the output from this modeling did not meet the statistical confidence thresholds required to predict the impact of this variant on KMT2D protein function. In summary, the available evidence is currently insufficient to determine the role of this variant in disease. Therefore, it has been classified as a Variant of Uncertain Significance.

NM_003482.4(KMT2D):c.8102G>C (p.Arg2701Pro)

Gene: KMT2D (lysine methyltransferase 2D; minus strand). Cytogenetic location: 12q13.12.
Variant type: single nucleotide variant.
Coding change: c.8102G>C on transcript NM_003482.4 (MANE Select); coding-DNA position 8102, G replaced by C.
Protein change: p.Arg2701Pro; replaces arginine 2701 with proline.
Molecular consequence: missense variant.
Genome position (GRCh38, 1-based): chr12:49,039,562, C>G on the plus strand (G>C on the coding strand, the complement: KMT2D is on the minus strand). VCF-style: chr12-49039562-C-G. GRCh37 (hg19) VCF-style: chr12-49433345-C-G.
Other names: short protein forms R2701P.
Identifiers: ClinVar variation 2695097 (VCV002695097.4), dbSNP rs1943386777, ClinGen allele CA384744142.